The following is an entry in ClinVar:

NM_001102564.3(IFT43):c.296-5621C>A

Gene: IFT43 (intraflagellar transport 43; plus strand). Cytogenetic location: 14q24.3.
Variant type: single nucleotide variant.
Coding change: c.296-5621C>A on transcript NM_001102564.3 (MANE Select); 5621 bases into the intron before coding-DNA position 296, C replaced by A.
Molecular consequence: intron variant. On other transcripts: missense variant (1).
Genome position (GRCh38, 1-based): chr14:76,076,674, C>A. VCF-style: chr14-76076674-C-A. GRCh37 (hg19) VCF-style: chr14-76543017-C-A.
Other names: c.293C>A, p.Ala98Asp (NM_052873.3); short protein forms A98D.
Identifiers: ClinVar variation 1501498 (VCV001501498.6), dbSNP rs759790155, ClinGen allele CA7280804.

ClinVar aggregate classification (germline): Uncertain significance (1 of 4 stars; one submission).

Allele frequency attached by ClinVar (database versions not stated): gnomAD exomes 0.00001 and 0.00002; ExAC 0.00003.
gnomAD v4.1: 5 of 1,614,156 alleles (0.00031%); highest among the groups gnomAD compares: Admixed American, 0.0083%; no homozygotes.

Submission:

Labcorp Genetics (formerly Invitae), Labcorp
Classification: Uncertain significance. Last evaluated: 2024-01-09. Review status: criteria provided, single submitter. Criteria: Invitae Variant Classification Sherloc (09022015). Collection method: clinical testing. Allele origin: germline.
Comment: This sequence change replaces alanine, which is neutral and non-polar, with aspartic acid, which is acidic and polar, at codon 98 of the IFT43 protein (p.Ala98Asp). This variant is present in population databases (rs759790155, gnomAD 0.01%). This variant has not been reported in the literature in individuals affected with IFT43-related conditions. ClinVar contains an entry for this variant (Variation ID: 1501498). An algorithm developed to predict the effect of missense changes on protein structure and function (PolyPhen-2) suggests that this variant is likely to be disruptive. In summary, the available evidence is currently insufficient to determine the role of this variant in disease. Therefore, it has been classified as a Variant of Uncertain Significance.